The following is an entry in ClinVar:

ClinVar aggregate classification (germline): Pathogenic (1 of 4 stars; one submission).

Conditions:
Menkes kinky-hair syndrome (MNK). Also called: Menkes Disease; Classic Menkes Disease; Copper transport disease. Identifiers: Orphanet 565, MedGen C0022716, MONDO:0010651, OMIM 309400.

Submission:

Myriad Genetics, Inc.
Classification: Pathogenic for Menkes kinky-hair syndrome. Last evaluated: 2023-09-27. Review status: criteria provided, single submitter. Criteria: Myriad Autosomal Dominant, Autosomal Recessive and X-Linked Classification Criteria (2023). Collection method: clinical testing. Allele origin: unknown.
Comment: NM_000052.5(ATP7A):c.2187dupG(Y730Vfs*8) is expected to be pathogenic in the context of ATP7A-related disorders. This variant is predicted to lead to an abnormal or absent protein product due to the creation of a premature termination codon in ATP7A, a gene where loss-of-function variants are known to be pathogenic. Please note: this variant was assessed in the context of healthy population screening.

NM_000052.7(ATP7A):c.2187dup (p.Tyr730fs)

Gene: ATP7A (ATPase copper transporting alpha; plus strand). Cytogenetic location: Xq21.1.
Variant type: Duplication.
Coding change: c.2187dup on transcript NM_000052.7 (MANE Select); coding-DNA position 2187, one base duplicated (G; older notation c.2187dupG).
Protein change: p.Tyr730fs; shifts the reading frame from tyrosine 730.
Molecular consequence: frameshift variant. On other transcripts: intron variant (1).
Genome position (GRCh38, 1-based): chrX:78,012,893, G duplicated; the last of 2 consecutive G bases (chrX:78,012,892-78,012,893); duplicating either gives the same sequence. VCF-style (leftmost placement, unchanged base first): chrX-78012891-T-TG. GRCh37 (hg19) VCF-style: chrX-77268388-T-TG.
Other names: c.2172+1219dup (NM_001282224.2); short protein forms Y730fs.
Identifiers: ClinVar variation 5012262 (VCV005012262.1).